The following is an entry in ClinVar:

NM_001305581.2(LRMDA):c.625G>A (p.Val209Ile)

Gene: LRMDA (leucine rich melanocyte differentiation associated; plus strand). Cytogenetic location: 10q22.3.
Variant type: single nucleotide variant.
Coding change: c.625G>A on transcript NM_001305581.2 (MANE Select); coding-DNA position 625, G replaced by A.
Protein change: p.Val209Ile; replaces valine 209 with isoleucine.
Molecular consequence: missense variant. On other transcripts: non-coding transcript variant (1).
Genome position (GRCh38, 1-based): chr10:76,557,232, G>A. VCF-style: chr10-76557232-G-A. GRCh37 (hg19) VCF-style: chr10-78316990-G-A.
Other names: c.541G>A, p.Val181Ile (NM_032024.5); short protein forms V209I, V181I.
Identifiers: ClinVar variation 1984429 (VCV001984429.1), dbSNP rs567691214, ClinGen allele CA5567702.

ClinVar aggregate classification (germline): Uncertain significance (1 of 4 stars; one submission).

Allele frequency attached by ClinVar (database versions not stated): TOPMed 0.00007.
gnomAD v4.1: 50 of 1,613,966 alleles (0.0031%); highest among the groups gnomAD compares: African/African-American, 0.013%; no homozygotes.

Submission:

Labcorp Genetics (formerly Invitae), Labcorp
Classification: Uncertain significance. Last evaluated: 2022-08-09. Review status: criteria provided, single submitter. Criteria: Invitae Variant Classification Sherloc (09022015). Collection method: clinical testing. Allele origin: germline.
Comment: This sequence change replaces valine, which is neutral and non-polar, with isoleucine, which is neutral and non-polar, at codon 181 of the C10orf11 protein (p.Val181Ile). This variant is present in population databases (rs567691214, gnomAD 0.006%). This variant has not been reported in the literature in individuals affected with C10orf11-related conditions. Algorithms developed to predict the effect of missense changes on protein structure and function output the following: SIFT: "Tolerated"; PolyPhen-2: "Benign"; Align-GVGD: "Class C0". The isoleucine amino acid residue is found in multiple mammalian species, which suggests that this missense change does not adversely affect protein function. In summary, the available evidence is currently insufficient to determine the role of this variant in disease. Therefore, it has been classified as a Variant of Uncertain Significance.